The following is an entry in ClinVar:

ClinVar aggregate classification (germline): Conflicting classifications of pathogenicity. Review status: criteria provided, conflicting classifications (1 of 4 stars). 3 submissions from 3 submitters: Uncertain significance (2); Likely benign (1). Last evaluated 2025-11-17.

Conditions:
Hereditary cancer-predisposing syndrome. Also called: Tumor predisposition; Hereditary Cancer Syndrome; Hereditary neoplastic syndrome; Neoplastic Syndromes, Hereditary. Identifiers: Orphanet 140162, MedGen C0027672, MeSH D009386, MONDO:0015356.
Tumor predisposition syndrome 3 (TPDS3). Also called: Melanoma, cutaneous malignant, susceptibility to, 10; Glioma susceptibility 9; LONG TELOMERE SYNDROME, POT1-RELATED; POT1 Tumor Predisposition. Identifiers: Orphanet 618, MedGen C4014476, MONDO:0014368, OMIM 615848.

Submissions (3):

Labcorp Genetics (formerly Invitae), Labcorp
Classification: Likely benign for Tumor predisposition syndrome 3. Last evaluated: 2025-11-17. Review status: criteria provided, single submitter. Criteria: Invitae Variant Classification Sherloc (09022015). Collection method: clinical testing. Allele origin: germline.

Sema4
Classification: Uncertain significance for Hereditary cancer-predisposing syndrome. Last evaluated: 2021-12-17. Review status: criteria provided, single submitter. Criteria: Sema4 Curation Guidelines. Collection method: curation. Allele origin: germline.
Comment: The POT1 c.1793-10_1793-8delGTT variant has not been reported in the literature to our knowledge. It was not observed in the large and broad cohorts of the Genome Aggregation Database (PMID: 32461654). This variant has been reported in ClinVar (Variation ID: 1140965). This variant does not overlap a splice site and algorithms developed to predict the effect of sequence changes on RNA splicing do not suggest negative effect on normal splicing. There is no indication that this variant causes disease, but the evidence is insufficient currently to prove that conclusively. Thus, the clinical significance of this variant is currently uncertain.

Genetic Services Laboratory, University of Chicago
Classification: Uncertain significance. Last evaluated: 2021-02-10. Review status: criteria provided, single submitter. Criteria: ACMG Guidelines, 2015. Collection method: clinical testing. Allele origin: germline. Affected: no.
Comment: This change does not appear to have been previously described in patients with POT1-related disorders and has also not been described in the large population databases such as gnomAD and ExAC. In silico splice prediction programs provide inconclusive results for this sequence change. It is possible that this sequence change represents a benign sequence change in the POT1 gene that has not been identified to date. The functional significance of this sequence change is not known at present and its contribution to this patient's disease phenotype cannot definitively be determined.

NM_015450.3(POT1):c.1793-10_1793-8del

Gene: POT1 (protection of telomeres 1; minus strand). Cytogenetic location: 7q31.33.
Variant type: Deletion.
Coding change: c.1793-10_1793-8del on transcript NM_015450.3 (MANE Select); 10 bases into the intron before coding-DNA position 1793 through 8 bases into the intron before coding-DNA position 1793, 3 bases deleted (GTT; older notation c.1793-10_1793-8delGTT).
Molecular consequence: intron variant.
Genome position (GRCh38, 1-based): chr7:124,824,082-124,824,084, AAC deleted on the plus strand (GTT on the coding strand, the reverse complement: POT1 is on the minus strand); deleting any 3 consecutive bases within chr7:124,824,082-124,824,086 gives the same sequence; the c. name uses the placement nearest the transcript's 3' end. VCF-style (leftmost placement, unchanged base first): chr7-124824081-AAAC-A. GRCh37 (hg19) VCF-style: chr7-124464135-AAAC-A.
Other names: c.1793-10_1793-8delGTT (NM_015450.2); c.1400-10_1400-8del (NM_001042594.2).
Identifiers: ClinVar variation 1140965 (VCV001140965.12), dbSNP rs2116403812, ClinGen allele CA2499218702.
Genomic context (GRCh38, chr7:124,824,081, plus strand): 5'-TTCCATTTGTGACATTGTATGACTTGATGAAGCATTCCAACCACGGATATGCATCTACAA[AAAC>A]AAAAACAAAAAAAGCGATTTAACCATTAAAACAAAATAAATAACTCTGAAATAGGTACCT-3'